The following is an entry in ClinVar:

NM_002951.5(RPN2):c.395T>G (p.Leu132Arg)

Gene: RPN2 (ribophorin II; plus strand). Cytogenetic location: 20q11.23.
Variant type: single nucleotide variant.
Coding change: c.395T>G on transcript NM_002951.5 (MANE Select); coding-DNA position 395, T replaced by G.
Protein change: p.Leu132Arg; replaces leucine 132 with arginine.
Molecular consequence: missense variant. On other transcripts: intron variant (1).
Genome position (GRCh38, 1-based): chr20:37,199,141, T>G. VCF-style: chr20-37199141-T-G. GRCh37 (hg19) VCF-style: chr20-35827544-T-G.
Other names: c.299T>G, p.Leu100Arg (NM_001135771.3); c.395T>G, p.Leu132Arg (NM_001324299.2, NM_001324301.2, NM_001324302.2 and 3 more transcripts); c.9-4744T>G (NM_001324306.2); short protein forms L100R, L132R.
Identifiers: ClinVar variation 1015672 (VCV001015672.7), dbSNP rs2067322572, ClinGen allele CA408841329.
Genomic context (GRCh38, chr20:37,199,141, plus strand): 5'-TTCTGGCAGCTGTCAGTGAGGACTCATCTGTTACCCAGATCTACCATGCAGTTGCAGCTC[T>G]AAGTGGCTTTGGCCTTCCCTTGGCATCCCAAGAAGCACTCAGTGCCCTTACTGCTCGTCT-3'
Protein context (NP_002942.2, residues 122-142): VTQIYHAVAA[Leu132Arg]SGFGLPLASQ

ClinVar aggregate classification (germline): Uncertain significance (1 of 4 stars; one submission).

Conditions:
Congenital disorder of glycosylation (CDG). Also called: Carbohydrate-deficient glycoprotein syndrome; Congenital disorders of glycosylation. Identifiers: Orphanet 137, MedGen C0282577, MONDO:0015286.

Submission:

Labcorp Genetics (formerly Invitae), Labcorp
Classification: Uncertain significance for Congenital disorder of glycosylation. Last evaluated: 2020-02-06. Review status: criteria provided, single submitter. Criteria: Invitae Variant Classification Sherloc (09022015). Collection method: clinical testing. Allele origin: germline.
Comment: In summary, the available evidence is currently insufficient to determine the role of this variant in disease. Therefore, it has been classified as a Variant of Uncertain Significance. This sequence change replaces leucine with arginine at codon 132 of the RPN2 protein (p.Leu132Arg). The leucine residue is highly conserved and there is a moderate physicochemical difference between leucine and arginine. This variant is not present in population databases (ExAC no frequency). This variant has not been reported in the literature in individuals with RPN2-related conditions. Algorithms developed to predict the effect of missense changes on protein structure and function are either unavailable or do not agree on the potential impact of this missense change (SIFT: "Not Available"; PolyPhen-2: "Probably Damaging"; Align-GVGD: "Not Available").